The following is an entry in ClinVar:

NM_005912.3(MC4R):c.732G>A (p.Ala244=)

Gene: MC4R (melanocortin 4 receptor; minus strand). Cytogenetic location: 18q21.32.
Variant type: single nucleotide variant.
Coding change: c.732G>A on transcript NM_005912.3 (MANE Select); coding-DNA position 732, G replaced by A.
Protein change: p.Ala244=; no amino-acid change (alanine 244 retained).
Molecular consequence: synonymous variant.
Genome position (GRCh38, 1-based): chr18:60,371,618, C>T on the plus strand (G>A on the coding strand, the complement: MC4R is on the minus strand). VCF-style: chr18-60371618-C-T. GRCh37 (hg19) VCF-style: chr18-58038851-C-T.
Identifiers: ClinVar variation 5039100 (VCV005039100.1).

ClinVar aggregate classification (germline): Likely benign (1 of 4 stars; one submission).

gnomAD v4.1: 16 of 1,614,210 alleles (0.00099%); highest among the groups gnomAD compares: East Asian, 0.0089%; no homozygotes.

Submission:

CeGaT Center for Human Genetics Tuebingen
Classification: Likely benign. Last evaluated: 2026-08-01. Review status: criteria provided, single submitter. Criteria: CeGaT Center For Human Genetics Tuebingen Variant Classification Criteria Version 2. Collection method: clinical testing. Allele origin: germline. Affected: yes. Observed: 1 variant allele.
Comment: MC4R: BP4, BP7